The following is an entry in ClinVar:

NM_001040108.2(MLH3):c.1970A>T (p.Asp657Val)

Gene: MLH3 (mutL homolog 3; minus strand). Cytogenetic location: 14q24.3.
Variant type: single nucleotide variant.
Coding change: c.1970A>T on transcript NM_001040108.2 (MANE Select); coding-DNA position 1970, A replaced by T.
Protein change: p.Asp657Val; replaces aspartic acid 657 with valine.
Molecular consequence: missense variant.
Genome position (GRCh38, 1-based): chr14:75,047,686, T>A on the plus strand (A>T on the coding strand, the complement: MLH3 is on the minus strand). VCF-style: chr14-75047686-T-A. GRCh37 (hg19) VCF-style: chr14-75514389-T-A.
Other names: c.1970A>T, p.Asp657Val (NM_014381.3); short protein forms D657V.
Identifiers: ClinVar variation 2495801 (VCV002495801.5), dbSNP rs2503281812, ClinGen allele CA390443571.

ClinVar aggregate classification (germline): Uncertain significance. Review status: criteria provided, multiple submitters, no conflicts (2 of 4 stars). 2 submissions from 2 submitters: Uncertain significance (2). Last evaluated 2026-05-14.

Submissions (2):

Ambry Genetics
Classification: Uncertain significance. Last evaluated: 2026-05-14. Review status: criteria provided, single submitter. Criteria: Ambry Variant Classification Scheme 2023. Collection method: clinical testing. Allele origin: germline.
Comment: The p.D657V variant (also known as c.1970A>T), located in coding exon 1 of the MLH3 gene, results from an A to T substitution at nucleotide position 1970. The aspartic acid at codon 657 is replaced by valine, an amino acid with highly dissimilar properties. This amino acid position is conserved. In addition, this alteration is predicted to be tolerated by in silico analysis. Based on the available evidence, the clinical significance of this variant remains unclear.

Center for Genomic Medicine, Rigshospitalet, Copenhagen University Hospital
Classification: Uncertain significance. Last evaluated: 2025-03-04. Review status: criteria provided, single submitter. Criteria: ACMG Guidelines, 2015. Collection method: clinical testing. Allele origin: germline.